The following is an entry in ClinVar:

ClinVar aggregate classification (germline): Uncertain significance (1 of 4 stars; one submission).

Submission:

GeneDx
Classification: Uncertain significance. Last evaluated: 2022-09-20. Review status: criteria provided, single submitter. Criteria: GeneDx Variant Classification Process June 2021. Collection method: clinical testing. Allele origin: germline. Affected: yes.
Comment: Not observed at significant frequency in large population cohorts (gnomAD); In silico analysis supports that this missense variant does not alter protein structure/function; Has not been previously published as pathogenic or benign to our knowledge

NM_002971.6(SATB1):c.1374G>A (p.Met458Ile)

Gene: SATB1 (SATB homeobox 1; minus strand). Cytogenetic location: 3p24.3.
Variant type: single nucleotide variant.
Coding change: c.1374G>A on transcript NM_002971.6 (MANE Select); coding-DNA position 1374, G replaced by A.
Protein change: p.Met458Ile; replaces methionine 458 with isoleucine.
Molecular consequence: missense variant.
Genome position (GRCh38, 1-based): chr3:18,386,444, C>T on the plus strand (G>A on the coding strand, the complement: SATB1 is on the minus strand). VCF-style: chr3-18386444-C-T. GRCh37 (hg19) VCF-style: chr3-18427936-C-T.
Other names: c.1374G>A, p.Met458Ile (NM_001131010.4, NM_001195470.3, NM_001322871.2 and 4 more transcripts); c.1158G>A, p.Met386Ile (NM_001322876.2); short protein forms M386I, M458I.
Identifiers: ClinVar variation 2444648 (VCV002444648.1), dbSNP rs2470590993, ClinGen allele CA351854752.